The following is an entry in ClinVar:

ClinVar aggregate classification (germline): Uncertain significance (1 of 4 stars; one submission).

Submission:

GeneDx
Classification: Uncertain significance. Last evaluated: 2022-06-08. Review status: criteria provided, single submitter. Criteria: GeneDx Variant Classification Process June 2021. Collection method: clinical testing. Allele origin: germline. Affected: yes.
Comment: Not observed at significant frequency in large population cohorts (gnomAD); In silico analysis supports that this missense variant has a deleterious effect on protein structure/function; Has not been previously published as pathogenic or benign to our knowledge

NM_031407.7(HUWE1):c.3156G>T (p.Leu1052Phe)

Gene: HUWE1 (HECT, UBA and WWE domain containing E3 ubiquitin protein ligase 1; minus strand). Cytogenetic location: Xp11.22.
Variant type: single nucleotide variant.
Coding change: c.3156G>T on transcript NM_031407.7 (MANE Select); coding-DNA position 3156, G replaced by T.
Protein change: p.Leu1052Phe; replaces leucine 1052 with phenylalanine.
Molecular consequence: missense variant.
Genome position (GRCh38, 1-based): chrX:53,600,125, C>A on the plus strand (G>T on the coding strand, the complement: HUWE1 is on the minus strand). VCF-style: chrX-53600125-C-A. GRCh37 (hg19) VCF-style: chrX-53627085-C-A.
Other names: short protein forms L1052F.
Identifiers: ClinVar variation 1803388 (VCV001803388.1), dbSNP rs2526575209, ClinGen allele CA413179739.
Genomic context (GRCh38, chrX:53,600,125, plus strand): 5'-CAAGACTAAGGGACTGAAAGCCAGAAAAGGTAGGAGAAAGGAGAATGACTCACCTGATAA[C>A]AAAGGCTTGATTTGCTTAATTCTGGCAGCCATTGCTGGTGTGATTTTAGATTTGCCCTTA-3'
Protein context (NP_113584.3, residues 1042-1062): MAARIKQIKP[Leu1052Phe]LSASSRLGRA